The following is an entry in ClinVar:

NM_003327.4(TNFRSF4):c.4T>C (p.Cys2Arg)

Gene: TNFRSF4 (TNF receptor superfamily member 4; minus strand). Cytogenetic location: 1p36.33.
Variant type: single nucleotide variant.
Coding change: c.4T>C on transcript NM_003327.4 (MANE Select); coding-DNA position 4, T replaced by C.
Protein change: p.Cys2Arg; replaces cysteine 2 with arginine.
Molecular consequence: missense variant.
Genome position (GRCh38, 1-based): chr1:1,214,124, A>G on the plus strand (T>C on the coding strand, the complement: TNFRSF4 is on the minus strand). VCF-style: chr1-1214124-A-G. GRCh37 (hg19) VCF-style: chr1-1149504-A-G.
Other names: c.4T>C, p.Cys2Arg (NM_001410709.1); short protein forms C2R.
Identifiers: ClinVar variation 2083916 (VCV002083916.4), dbSNP rs1206687241, ClinGen allele CA337803331.

ClinVar aggregate classification (germline): Uncertain significance (1 of 4 stars; one submission).

Conditions:
Combined immunodeficiency due to OX40 deficiency. Also called: OX40 DEFICIENCY; Immunodeficiency 16. Identifiers: Orphanet 431149, MedGen C3810053, MONDO:0014268, OMIM 615593.

Allele frequency attached by ClinVar (database versions not stated): gnomAD exomes 0.00001.
gnomAD v4.1: 15 of 1,579,334 alleles (0.00095%); highest among the groups gnomAD compares: Non-Finnish European, 0.0013%; no homozygotes.

Submission:

Labcorp Genetics (formerly Invitae), Labcorp
Classification: Uncertain significance for Combined immunodeficiency due to OX40 deficiency. Last evaluated: 2022-08-25. Review status: criteria provided, single submitter. Criteria: Invitae Variant Classification Sherloc (09022015). Collection method: clinical testing. Allele origin: germline.
Comment: In summary, the available evidence is currently insufficient to determine the role of this variant in disease. Therefore, it has been classified as a Variant of Uncertain Significance. Algorithms developed to predict the effect of missense changes on protein structure and function output the following: SIFT: "Tolerated"; PolyPhen-2: "Not Available"; Align-GVGD: "Class C0". The arginine amino acid residue is found in multiple mammalian species, which suggests that this missense change does not adversely affect protein function. This variant has not been reported in the literature in individuals affected with TNFRSF4-related conditions. This variant is not present in population databases (gnomAD no frequency). This sequence change replaces cysteine, which is neutral and slightly polar, with arginine, which is basic and polar, at codon 2 of the TNFRSF4 protein (p.Cys2Arg).